The following is an entry in ClinVar:

ClinVar aggregate classification (germline): Uncertain significance. Review status: criteria provided, multiple submitters, no conflicts (2 of 4 stars). 2 submissions from 2 submitters: Uncertain significance (2). Last evaluated 2025-07-12.

Conditions:
Inborn genetic diseases. Identifiers: MedGen C0950123, MeSH D030342.
Trichorhinophalangeal dysplasia type I (TRPS1). Also called: TRICHORHINOPHALANGEAL SYNDROME, TYPE I; TRPS I. Identifiers: Orphanet 77258, MedGen C0432233, MONDO:0008596, OMIM 190350.
Trichorhinophalangeal syndrome, type III (TRPS3). Also called: SUGIO-KAJII SYNDROME. Identifiers: Orphanet 77258, MedGen C1860823, OMIM 190351, MONDO:0008597.

Allele frequency attached by ClinVar (database versions not stated): gnomAD exomes below 0.00001; gnomAD 0.00001; TOPMed 0.00002.
gnomAD v4.1: 4 of 1,613,886 alleles (0.00025%); highest among the groups gnomAD compares: Admixed American, 0.005%; no homozygotes.

Submissions (2):

Ambry Genetics
Classification: Uncertain significance for Inborn genetic diseases. Last evaluated: 2025-07-12. Review status: criteria provided, single submitter. Criteria: Ambry Variant Classification Scheme 2023. Collection method: clinical testing. Allele origin: germline.

Labcorp Genetics (formerly Invitae), Labcorp
Classification: Uncertain significance for Trichorhinophalangeal syndrome, type III; Trichorhinophalangeal dysplasia type I. Last evaluated: 2023-10-15. Review status: criteria provided, single submitter. Criteria: Invitae Variant Classification Sherloc (09022015). Collection method: clinical testing. Allele origin: germline.
Comment: This sequence change replaces valine, which is neutral and non-polar, with leucine, which is neutral and non-polar, at codon 1213 of the TRPS1 protein (p.Val1213Leu). This variant is present in population databases (no rsID available, gnomAD 0.003%). This variant has not been reported in the literature in individuals affected with TRPS1-related conditions. Advanced modeling of protein sequence and biophysical properties (such as structural, functional, and spatial information, amino acid conservation, physicochemical variation, residue mobility, and thermodynamic stability) performed at Invitae indicates that this missense variant is not expected to disrupt TRPS1 protein function. In summary, the available evidence is currently insufficient to determine the role of this variant in disease. Therefore, it has been classified as a Variant of Uncertain Significance.

NM_014112.5(TRPS1):c.3637G>C (p.Val1213Leu)

Gene: TRPS1 (transcriptional repressor GATA binding 1; minus strand). Cytogenetic location: 8q23.3.
Variant type: single nucleotide variant.
Coding change: c.3637G>C on transcript NM_014112.5 (MANE Select); coding-DNA position 3637, G replaced by C.
Protein change: p.Val1213Leu; replaces valine 1213 with leucine.
Molecular consequence: missense variant.
Genome position (GRCh38, 1-based): chr8:115,414,271, C>G on the plus strand (G>C on the coding strand, the complement: TRPS1 is on the minus strand). VCF-style: chr8-115414271-C-G. GRCh37 (hg19) VCF-style: chr8-116426499-C-G.
Other names: c.3637G>C (NM_014112.2); c.3610G>C, p.Val1204Leu (NM_001282902.3); c.3616G>C, p.Val1206Leu (NM_001282903.3); c.3598G>C, p.Val1200Leu (NM_001330599.2); short protein forms V1200L, V1204L, V1213L, V1206L.
Identifiers: ClinVar variation 2934215 (VCV002934215.4), dbSNP rs1390669172, ClinGen allele CA372062325.